The following is an entry in ClinVar:

NM_144997.7(FLCN):c.-445G>A

Gene: FLCN (folliculin; minus strand). Cytogenetic location: 17p11.2.
Variant type: single nucleotide variant.
Coding change: c.-445G>A on transcript NM_144997.7 (MANE Select); 445 bases upstream of the start codon, G replaced by A.
Molecular consequence: 5 prime UTR variant.
Genome position (GRCh38, 1-based): chr17:17,237,129, C>T on the plus strand (G>A on the coding strand, the complement: FLCN is on the minus strand). VCF-style: chr17-17237129-C-T. GRCh37 (hg19) VCF-style: chr17-17140443-C-T.
Other names: c.-653G>A (NM_001353229.2); c.-728G>A (NM_001353230.2); c.-644G>A (NM_001353231.2); c.-445G>A (NM_144606.7).
Identifiers: ClinVar variation 4989478 (VCV004989478.1).

ClinVar aggregate classification (germline): Likely benign (1 of 4 stars; one submission).

Conditions:
FLCN-related disorder. Also called: FLCN-related condition.

Submission:

PreventionGenetics, part of Exact Sciences
Classification: Likely benign for FLCN-related condition. Last evaluated: 2024-11-30. Review status: criteria provided, single submitter. Criteria: ACMG Guidelines, 2015. Collection method: clinical testing. Allele origin: germline.
Comment: This variant is classified as likely benign based on ACMG/AMP sequence variant interpretation guidelines (Richards et al. 2015 PMID: 25741868, with internal and published modifications).